The following is an entry in ClinVar:

ClinVar aggregate classification (germline): Uncertain significance (1 of 4 stars; one submission).

Conditions:
Familial thoracic aortic aneurysm and aortic dissection (TAAD). Also called: Thoracic aortic aneurysms and dissections. Identifiers: Orphanet 91387, MedGen C4707243, MONDO:0019625.

Submission:

Color Diagnostics, LLC DBA Color Health
Classification: Uncertain significance for Familial thoracic aortic aneurysm and aortic dissection. Last evaluated: 2024-03-06. Review status: criteria provided, single submitter. Criteria: ACMG Guidelines, 2015. Collection method: clinical testing. Allele origin: germline.
Comment: This missense variant replaces glutamine with arginine at codon 1911 of the MYH11 protein. Computational prediction suggests that this variant may have deleterious impact on protein structure and function (internally defined REVEL score threshold >= 0.7, PMID: 27666373). To our knowledge, functional studies have not been reported for this variant. This variant has not been reported in individuals affected with cardiovascular disorders in the literature. This variant has not been identified in the general population by the Genome Aggregation Database (gnomAD). The available evidence is insufficient to determine the role of this variant in disease conclusively. Therefore, this variant is classified as a Variant of Uncertain Significance.

NM_002474.3(MYH11):c.5711A>G (p.Gln1904Arg)

Genes: MYH11 (myosin heavy chain 11; minus strand), NDE1 (nudE neurodevelopment protein 1; plus strand). Cytogenetic location: 16p13.11.
Variant type: single nucleotide variant.
Coding change: c.5711A>G on transcript NM_002474.3 (MANE Select); coding-DNA position 5711, A replaced by G.
Protein change: p.Gln1904Arg; replaces glutamine 1904 with arginine.
Molecular consequence: missense variant. On other transcripts: intron variant (2).
Genome position (GRCh38, 1-based): chr16:15,714,984, T>C on the plus strand (A>G on the coding strand, the complement: MYH11 is on the minus strand). VCF-style: chr16-15714984-T-C. GRCh37 (hg19) VCF-style: chr16-15808841-T-C.
Other names: c.5732A>G, p.Gln1911Arg (NM_001040113.2, NM_001040114.2); c.5711A>G, p.Gln1904Arg (NM_022844.3); c.948-9207T>C (NM_001143979.2, NM_017668.3); short protein forms Q1904R, Q1911R.
Identifiers: ClinVar variation 1170970 (VCV001170970.3), dbSNP rs2151192036, ClinGen allele CA394846667.
Genomic context (GRCh38, chr16:15,714,984, plus strand): 5'-AGTGCGTTCACCTCGCGGCCCATGGCCTCGTTGCTCTCCGTGGCCTCATCCAGCTCCCGC[T>C]GCAGCTTCCTGCGGTTGGCGTTGATGCGCTGGGACTCCTCCTCTGCCTCCTCCAGCTGCC-3'
Protein context (NP_002465.1, residues 1894-1914): QRINANRRKL[Gln1904Arg]RELDEATESN